The following is an entry in ClinVar:

ClinVar aggregate classification (germline): Uncertain significance (1 of 4 stars; one submission).

gnomAD v4.1: 1 of 1,549,784 alleles (0.000065%); highest among the groups gnomAD compares: East Asian, 0.0024%; no homozygotes.

Submission:

GeneDx
Classification: Uncertain significance. Last evaluated: 2026-06-30. Review status: criteria provided, single submitter. Criteria: GeneDx Variant Classification Process June 2021. Collection method: clinical testing. Allele origin: germline.
Comment: Not observed at significant frequency in large population cohorts (gnomAD); In silico analysis suggests that this missense variant does not alter protein structure/function; Has not been previously published as pathogenic or benign to our knowledge

NM_001384732.1(CPLANE1):c.1129C>G (p.Gln377Glu)

Gene: CPLANE1 (ciliogenesis and planar polarity effector complex subunit 1; minus strand). Cytogenetic location: 5p13.2.
Variant type: single nucleotide variant.
Coding change: c.1129C>G on transcript NM_001384732.1 (MANE Select); coding-DNA position 1129, C replaced by G.
Protein change: p.Gln377Glu; replaces glutamine 377 with glutamic acid.
Molecular consequence: missense variant.
Genome position (GRCh38, 1-based): chr5:37,227,810, G>C on the plus strand (C>G on the coding strand, the complement: CPLANE1 is on the minus strand). VCF-style: chr5-37227810-G-C. GRCh37 (hg19) VCF-style: chr5-37227912-G-C.
Other names: c.1129C>G, p.Gln377Glu (NM_023073.4); short protein forms Q377E.
Identifiers: ClinVar variation 3369497 (VCV003369497.2).
Genomic context (GRCh38, chr5:37,227,810, plus strand): 5'-TAGGGTCACTATCAGAAGCTGATGAATCAACAGAATTATTTGAATCTTGAAACGTAAACT[G>C]CTGTGGTCTAGTAAACAAACATCAAAATACAAGAATCAGTAAGAGAAAGATCTTACGGAA-3'
Protein context (NP_001371661.1, residues 367-387): LHPLITYRPQ[Gln377Glu]FTFQDSNNSV